The following is an entry in ClinVar:

ClinVar aggregate classification (germline): Pathogenic. Review status: criteria provided, multiple submitters, no conflicts (2 of 4 stars). 8 submissions from 8 submitters: Pathogenic (7). 1 of the submissions does not count toward it. Last evaluated 2026-10-07.

Conditions:
Neurofibromatosis, type 1 (NF1). Also called: VON RECKLINGHAUSEN DISEASE; Neurofibromatosis, type I; NEUROFIBROMATOSIS, TYPE I, SOMATIC; Peripheral type neurofibromatosis. Identifiers: Orphanet 636, MedGen C0027831, MONDO:0018975, OMIM 162200. Disease mechanism: loss of function.
Cardiovascular phenotype. Identifiers: MedGen CN230736.
Hereditary cancer-predisposing syndrome. Also called: Neoplastic Syndromes, Hereditary; Hereditary Cancer Syndrome; Tumor predisposition; Hereditary neoplastic syndrome. Identifiers: Orphanet 140162, MedGen C0027672, MeSH D009386, MONDO:0015356.

Submissions (8):

Department of Molecular Genetics, Istishari Arab Hospital
Classification: Pathogenic for Neurofibromatosis, type 1. Last evaluated: 2026-10-07. Review status: criteria provided, single submitter. Criteria: ACMG Guidelines, 2015. Collection method: clinical testing. Allele origin: germline. Inheritance: Autosomal dominant inheritance. Affected: yes.
Comment: The NF1 variant c.3277G>A, p.Val1093Met causes an amino acid change from Val to Met at position 1093 in exon 25 (of 58). Functional studies have shown that this variant results in abnormal splicing, leading to the deletion of 40 nucleotides in exon 25, which is expected to introduce a premature termination codon and cause loss of function (PMID: 10862084, 18546366, 31370276). This variant is absent from the population database gnomAD v4.1.0 dataset and has previously been reported in patients with neurofibromatosis type 1 (PMID: 18546366, 10862084, 31370276). It is classified as pathogenic based on the implementation of the ACMG/AMP/ClinGen SVI guidelines.

Ambry Genetics
Classification: Pathogenic for Cardiovascular phenotype; Hereditary cancer-predisposing syndrome. Last evaluated: 2026-05-06. Review status: criteria provided, single submitter. Criteria: Ambry Variant Classification Scheme 2023. Collection method: clinical testing. Allele origin: germline.
Comment: The p.V1093M pathogenic mutation (also known as c.3277G>A), located in coding exon 25 of the NF1 gene, results from a G to A substitution at nucleotide position 3277. The valine at codon 1093 is replaced by methionine, an amino acid with highly similar properties. This amino acid position is highly conserved in available vertebrate species. In silico splice site analysis predicts that this alteration may weaken the native splice donor site and will result in the creation or strengthening of a novel splice donor site. RNA studies have demonstrated that this variant results in abnormal splicing in the set of samples tested (Ambry internal data; Pros E et al. Hum Mutat, 2008 Sep;29:E173-93; Messiaen LM et al. Hum Mutat, 2000;15:541-55). This variant was reported in individual(s) with features consistent with Neurofibromatosis type 1 (Pourirahim M et al. BMC Cardiovasc Disord, 2024 Apr;24:220; Pros E et al. Hum Mutat, 2008 Sep;29:E173-93; Messiaen LM et al. Hum Mutat, 2000;15:541-55; Ambry internal data). This variant is considered to be rare based on population cohorts in the Genome Aggregation Database (gnomAD). Based on the supporting evidence, this variant is interpreted as a disease-causing mutation.

Labcorp Genetics (formerly Invitae), Labcorp
Classification: Pathogenic for Neurofibromatosis, type 1. Last evaluated: 2026-01-18. Review status: criteria provided, single submitter. Criteria: Invitae Variant Classification Sherloc (09022015). Collection method: clinical testing. Allele origin: germline.
Comment: This sequence change replaces valine, which is neutral and non-polar, with methionine, which is neutral and non-polar, at codon 1093 of the NF1 protein (p.Val1093Met). RNA analysis indicates that this missense change induces altered splicing and may result in an absent or altered protein product. This variant is not present in population databases (gnomAD no frequency). This missense change has been observed in individuals with neurofibromatosis type 1 (PMID: 10862084, 18546366, 23913538). Invitae Evidence Modeling of clinical and family history, age, sex, and reported ancestry of multiple individuals with this NF1 variant has been performed. This variant is expected to be pathogenic with a positive predictive value of at least 99%. This is a validated machine learning model that incorporates the clinical features of 1,785,918 individuals referred to our laboratory for NF1 testing. ClinVar contains an entry for this variant (Variation ID: 457638). Invitae Evidence Modeling of protein sequence and biophysical properties (such as structural, functional, and spatial information, amino acid conservation, physicochemical variation, residue mobility, and thermodynamic stability) indicates that this missense variant is expected to disrupt NF1 protein function with a positive predictive value of 95%. Studies have shown that this missense change results in a new splice site within exon 25 and deletes 40 nucleotides from the exon, and produces a non-functional protein and/or introduces a premature termination codon (PMID: 10862084, 23913538; internal data). For these reasons, this variant has been classified as Pathogenic.

Variantyx, Inc.
Classification: Pathogenic for Neurofibromatosis, type 1. Last evaluated: 2025-09-18. Review status: criteria provided, single submitter. Criteria: Variantyx Assertion Criteria 2022. Collection method: clinical testing. Allele origin: germline. Inheritance: Autosomal dominant inheritance. Affected: yes.
Comment: This is a nonsynonymous variant in the NF1 gene (OMIM: 613113). Pathogenic variants in this gene have been associated with autosomal dominant neurofibromatosis type 1. Functional studies have shown that this variant results in abnormal splicing, leading to the deletion of 40 nucleotides in exon 25, which is expected to introduce a premature termination codon and cause loss of function (PMID: 10862084, 18546366, 31370276) (PVS1). This variant has been reported in several unrelated affected individuals (PMID: 18546366, 10862084, 31370276) (PS4), while it is absent from control populations (PM2). Based on the current evidence, this variant is classified as pathogenic for autosomal dominant neurofibromatosis type 1.Inheritance from an unaffected or mildly affected parent has been reported in the NF1 gene, consistent with incomplete penetrance and/or variable expressivity (PMID: 20301288).

Quest Diagnostics Nichols Institute San Juan Capistrano
Classification: Pathogenic. Last evaluated: 2025-09-09. Review status: criteria provided, single submitter. Criteria: Quest Diagnostics criteria. Collection method: clinical testing. Allele origin: unknown.
Comment: The NF1 c.3277G>A (p.Val1093Met) variant has been reported in the published literature in individuals with suspected or clinically diagnosed Neurofibromatosis type 1 (PMIDs: 10862084 (2000), 12807981 (2003), 18546366 (2008), 23913538 (2013)). RNA and protein studies have also shown this variant causes partial deletion of exon 25, resulting in truncation of the protein due to frameshift (PMIDs: 10862084 (2000), 12807981 (2003), 18546366 (2008)). This variant has not been reported in large, multi-ethnic general populations (Genome Aggregation Database). Analysis of this variant using bioinformatics tools for the prediction of the effect of amino acid changes on protein structure and function yielded predictions that this variant is damaging. Based on the available information, this variant is classified as pathogenic.

NHS Central & South Genomic Laboratory Hub
Classification: Pathogenic for Neurofibromatosis type 1. Last evaluated: 2025-07-01. Review status: criteria provided, single submitter. Criteria: ACMG Guidelines, 2015. Collection method: clinical testing. Allele origin: germline. Affected: yes.

GeneDx
Classification: Pathogenic. Last evaluated: 2024-01-29. Review status: criteria provided, single submitter. Criteria: GeneDx Variant Classification Process June 2021. Collection method: clinical testing. Allele origin: germline. Affected: yes.
Comment: Exonic splice site variant demonstrated to result in protein truncation or nonsense mediated decay in a gene for which loss-of-function is a known mechanism of disease (PMID: 10862084, 18546366, 23913538); Not observed at significant frequency in large population cohorts (gnomAD); This variant is associated with the following publications: (PMID: 23913538, 10862084, 18546366, 31370276, 25486365, 2121369)

Rajaie Cardiovascular, Medical and Research Center, Iran University of Medical Sciences
Classification: Likely pathogenic for Neurofibromatosis, type 1. Review status: no assertion criteria provided. Collection method: research. Allele origin: somatic. Inheritance: Autosomal dominant inheritance. Affected: yes. Observed: 1 heterozygote. Not counted in ClinVar's aggregate classification.
Comment: The NF1 gene encodes Neurofibromin, a cytoplasmic protein that is predominantly expressed in neurons, Schwann cells, oligodendrocytes, and leukocytes. Mutations in NF1 result in Neurofibromatosis type 1 with an autosomal dominant inheritance (OMIM: 162200).

Literature cited by the submitters: PubMed 10862084 (cited by 4 submitters); PubMed 18546366 (cited by 4 submitters); PubMed 31370276 (cited by Department of Molecular Genetics, Istishari Arab Hospital and Variantyx, Inc.); PubMed 38654147 (cited by Ambry Genetics); PubMed 23913538 (cited by Labcorp Genetics (formerly Invitae), Labcorp); PubMed 26740943 (cited by Variantyx, Inc.); PubMed 17311297 (cited by Variantyx, Inc.).

NM_001042492.3(NF1):c.3277G>A (p.Val1093Met)

Gene: NF1 (neurofibromin 1; plus strand). Cytogenetic location: 17q11.2.
Variant type: single nucleotide variant.
Coding change: c.3277G>A on transcript NM_001042492.3 (MANE Select); coding-DNA position 3277, G replaced by A.
Protein change: p.Val1093Met; replaces valine 1093 with methionine.
Molecular consequence: missense variant.
Genome position (GRCh38, 1-based): chr17:31,232,152, G>A. VCF-style: chr17-31232152-G-A. GRCh37 (hg19) VCF-style: chr17-29559170-G-A.
Other names: p.Val1093Met; c.3277G>A, p.Val1093Met (NM_000267.4); short protein forms V1093M.
Identifiers: ClinVar variation 457638 (VCV000457638.15), dbSNP rs1555614858, ClinGen allele CA398988856.